The following is an entry in ClinVar:

NM_001378454.1(ALMS1):c.8763C>A (p.Cys2921Ter)

Gene: ALMS1 (ALMS1 centrosome and basal body associated protein; plus strand). Cytogenetic location: 2p13.1.
Variant type: single nucleotide variant.
Coding change: c.8763C>A on transcript NM_001378454.1 (MANE Select); coding-DNA position 8763, C replaced by A.
Protein change: p.Cys2921Ter; replaces cysteine 2921 with a stop codon.
Molecular consequence: nonsense.
Genome position (GRCh38, 1-based): chr2:73,490,722, C>A. VCF-style: chr2-73490722-C-A. GRCh37 (hg19) VCF-style: chr2-73717849-C-A.
Other names: c.8766C>A, p.Cys2922Ter (NM_015120.4); short protein forms C2922*, C2921*.
Identifiers: ClinVar variation 659575 (VCV000659575.9), dbSNP rs765908556, ClinGen allele CA347270443.

ClinVar aggregate classification (germline): Pathogenic/Likely pathogenic. Review status: criteria provided, multiple submitters, no conflicts (2 of 4 stars). 2 submissions from 2 submitters: Pathogenic (1); Likely pathogenic (1). Last evaluated 2025-03-30.

Conditions:
Alstrom syndrome (ALMS). Identifiers: Orphanet 64, MedGen C0268425, MONDO:0008763, OMIM 203800.

Submissions (2):

GeneDx
Classification: Likely pathogenic. Last evaluated: 2025-03-30. Review status: criteria provided, single submitter. Criteria: GeneDx Variant Classification Process June 2021. Collection method: clinical testing. Allele origin: germline.
Comment: Identified in patient(s) with features of Alstom syndrome in published literature, although additional clinical and segregation information was not provided (PMID: 25846608); Nonsense variant predicted to result in protein truncation or nonsense mediated decay in a gene for which loss of function is a known mechanism of disease; Not observed at significant frequency in large population cohorts (gnomAD); This variant is associated with the following publications: (PMID: 25846608)

Labcorp Genetics (formerly Invitae), Labcorp
Classification: Pathogenic for Alstrom syndrome. Last evaluated: 2025-03-05. Review status: criteria provided, single submitter. Criteria: Invitae Variant Classification Sherloc (09022015). Collection method: clinical testing. Allele origin: germline.
Comment: This sequence change creates a premature translational stop signal (p.Cys2922*) in the ALMS1 gene. It is expected to result in an absent or disrupted protein product. Loss-of-function variants in ALMS1 are known to be pathogenic (PMID: 17594715). This variant is not present in population databases (gnomAD no frequency). This premature translational stop signal has been observed in individual(s) with Alstrom syndrome (PMID: 25846608). ClinVar contains an entry for this variant (Variation ID: 659575). For these reasons, this variant has been classified as Pathogenic.

Literature cited by the submitters: PubMed 17594715 (cited by Labcorp Genetics (formerly Invitae), Labcorp); PubMed 25846608 (cited by Labcorp Genetics (formerly Invitae), Labcorp).